The following is an entry in ClinVar:

ClinVar aggregate classification (germline): Pathogenic/Likely pathogenic. Review status: criteria provided, multiple submitters, no conflicts (2 of 4 stars). 2 submissions from 2 submitters: Pathogenic (1); Likely pathogenic (1). Last evaluated 2024-03-21.

Conditions:
Joubert syndrome. Also called: CEREBELLOPARENCHYMAL DISORDER IV; JOUBERT-BOLTSHAUSER SYNDROME; Familial aplasia of the vermis. Identifiers: Orphanet 475, MedGen C5979921, MONDO:0018772.
Nephronophthisis. Also called: Juvenile Nephronophthisis. Identifiers: Orphanet 655, MedGen C0687120, MONDO:0019005, HP:0000090.
Meckel-Gruber syndrome. Also called: DYSENCEPHALIA SPLANCHNOCYSTICA; GRUBER SYNDROME; Dysencephalia splachnocystica. Identifiers: Orphanet 564, MedGen C0265215, MONDO:0018921.
Bardet-Biedl syndrome 14 (BBS14). Identifiers: Orphanet 110, MedGen C2673874, MONDO:0014442, OMIM 615991.

Submissions (2):

Baylor Genetics
Classification: Likely pathogenic for Bardet-Biedl syndrome 14. Last evaluated: 2024-03-21. Review status: criteria provided, single submitter. Criteria: ACMG Guidelines, 2015. Collection method: clinical testing. Allele origin: unknown.

Labcorp Genetics (formerly Invitae), Labcorp
Classification: Pathogenic for Joubert syndrome; Meckel-Gruber syndrome; Nephronophthisis. Last evaluated: 2023-09-29. Review status: criteria provided, single submitter. Criteria: Invitae Variant Classification Sherloc (09022015). Collection method: clinical testing. Allele origin: germline.
Comment: Algorithms developed to predict the effect of sequence changes on RNA splicing suggest that this variant may disrupt the consensus splice site. For these reasons, this variant has been classified as Pathogenic. Disruption of this splice site has been observed in individuals with CEP290-related conditions (PMID: 22699515, 28973549). This variant is not present in population databases (gnomAD no frequency). This sequence change affects a donor splice site in intron 5 of the CEP290 gene. It is expected to disrupt RNA splicing. Variants that disrupt the donor or acceptor splice site typically lead to a loss of protein function (PMID: 16199547), and loss-of-function variants in CEP290 are known to be pathogenic (PMID: 16909394, 17345604, 20690115).

Literature cited by the submitters: PubMed 22699515 (cited by Labcorp Genetics (formerly Invitae), Labcorp); PubMed 28973549 (cited by Labcorp Genetics (formerly Invitae), Labcorp); PubMed 16199547 (cited by Labcorp Genetics (formerly Invitae), Labcorp); PubMed 16909394 (cited by Labcorp Genetics (formerly Invitae), Labcorp); PubMed 17345604 (cited by Labcorp Genetics (formerly Invitae), Labcorp); PubMed 20690115 (cited by Labcorp Genetics (formerly Invitae), Labcorp).

NM_025114.4(CEP290):c.297+1G>C

Gene: CEP290 (centrosomal protein 290; minus strand). Cytogenetic location: 12q21.32.
Variant type: single nucleotide variant.
Coding change: c.297+1G>C on transcript NM_025114.4 (MANE Select); the canonical splice donor site of the intron after coding-DNA position 297, G replaced by C.
Molecular consequence: splice donor variant.
Genome position (GRCh38, 1-based): chr12:88,139,144, C>G on the plus strand (G>C on the coding strand, the complement: CEP290 is on the minus strand). VCF-style: chr12-88139144-C-G. GRCh37 (hg19) VCF-style: chr12-88532921-C-G.
Identifiers: ClinVar variation 2945512 (VCV002945512.4), dbSNP rs878853360, ClinGen allele CA385988566.